The following is an entry in ClinVar:

ClinVar aggregate classification (germline): Benign (1 of 4 stars; one submission).

Allele frequency attached by ClinVar (database versions not stated): gnomAD 0.59603 and 0.60436; TOPMed 0.60799; gnomAD exomes 0.63622; 1000 Genomes Project 30x 0.65194; 1000 Genomes Project 0.66314.
gnomAD v4.1: 858,910 of 1,356,560 alleles (63%); highest among the groups gnomAD compares: East Asian, 81%; 274,764 homozygotes.

Submission:

GeneDx
Classification: Benign. Last evaluated: 2018-06-14. Review status: criteria provided, single submitter. Criteria: GeneDx Variant Classification (06012015). Collection method: clinical testing. Allele origin: germline. Affected: yes.
Comment: This variant is considered likely benign or benign based on one or more of the following criteria: it is a conservative change, it occurs at a poorly conserved position in the protein, it is predicted to be benign by multiple in silico algorithms, and/or has population frequency not consistent with disease.

NM_032119.4(ADGRV1):c.9042+57C>T

Gene: ADGRV1 (adhesion G protein-coupled receptor V1; plus strand). Cytogenetic location: 5q14.3.
Variant type: single nucleotide variant.
Coding change: c.9042+57C>T on transcript NM_032119.4 (MANE Select); 57 bases into the intron after coding-DNA position 9042, C replaced by T.
Molecular consequence: intron variant.
Genome position (GRCh38, 1-based): chr5:90,711,379, C>T. VCF-style: chr5-90711379-C-T. GRCh37 (hg19) VCF-style: chr5-90007196-C-T.
Identifiers: ClinVar variation 674379 (VCV000674379.1), dbSNP rs7732169, ClinGen allele CA122804444.
Genomic context (GRCh38, chr5:90,711,379, plus strand): 5'-AATGGTGGGTCTCAAAATCTATCACAGATGACTTTTACAAATTATTTTATAATCATTATT[C>T]CTTGAGAATTACAGTGATTTAGGTCCCATATAAATAAATTATTCTTAAAAACCATTGTAT-3'